The following is an entry in ClinVar:

ClinVar aggregate classification (germline): Uncertain significance (1 of 4 stars; one submission).

Submission:

Women's Health and Genetics/Laboratory Corporation of America, LabCorp
Classification: Uncertain significance. Last evaluated: 2019-12-30. Review status: criteria provided, single submitter. Criteria: LabCorp Variant Classification Summary - May 2015. Collection method: clinical testing. Allele origin: germline.
Comment: Variant summary: BRAF c.1518-7T>G alters a conserved nucleotide located close to a canonical splice site and therefore could affect mRNA splicing, leading to a significantly altered protein sequence. 4/4 computational tools predict no significant impact on normal splicing. However, these predictions have yet to be confirmed by functional studies. The variant was absent in 251244 control chromosomes (gnomAD). The available data on variant occurrences in the general population are insufficient to allow any conclusion about variant significance. To our knowledge, no occurrence of c.1518-7T>G in individuals affected with Noonan Syndrome and Related Conditions and no experimental evidence demonstrating its impact on protein function have been reported. No clinical diagnostic laboratories have submitted clinical-significance assessments for this variant to ClinVar after 2014. Based on the evidence outlined above, the variant was classified as uncertain significance.

NM_004333.6(BRAF):c.1518-7T>G

Gene: BRAF (B-Raf proto-oncogene, serine/threonine kinase; minus strand). Cytogenetic location: 7q34.
Variant type: single nucleotide variant.
Coding change: c.1518-7T>G on transcript NM_004333.6 (MANE Select); 7 bases into the intron before coding-DNA position 1518, T replaced by G.
Molecular consequence: intron variant.
Genome position (GRCh38, 1-based): chr7:140,777,095, A>C on the plus strand (T>G on the coding strand, the complement: BRAF is on the minus strand). VCF-style: chr7-140777095-A-C. GRCh37 (hg19) VCF-style: chr7-140476895-A-C.
Other names: c.1518-7T>G (NM_001378474.1, NM_001378468.1, NM_001354609.2); c.1416-7T>G (NM_001378470.1); c.1254-7T>G (NM_001378475.1); c.1407-7T>G (NM_001378471.1); c.1638-7T>G (NM_001374258.1, NM_001374244.1); c.1527-7T>G (NM_001378467.1); c.1362-7T>G (NM_001378472.1, NM_001378473.1); c.1452-7T>G (NM_001378469.1).
Identifiers: ClinVar variation 929037 (VCV000929037.1), dbSNP rs199745091, ClinGen allele CA1139660284.